The following is an entry in ClinVar:

NM_198576.4(AGRN):c.2086G>C (p.Glu696Gln)

Gene: AGRN (agrin; plus strand). Cytogenetic location: 1p36.33.
Variant type: single nucleotide variant.
Coding change: c.2086G>C on transcript NM_198576.4 (MANE Select); coding-DNA position 2086, G replaced by C.
Protein change: p.Glu696Gln; replaces glutamic acid 696 with glutamine.
Molecular consequence: missense variant.
Genome position (GRCh38, 1-based): chr1:1,044,195, G>C. VCF-style: chr1-1044195-G-C. GRCh37 (hg19) VCF-style: chr1-979575-G-C.
Other names: c.2086G>C, p.Glu696Gln (NM_001305275.2); c.1771G>C, p.Glu591Gln (NM_001364727.2); short protein forms E591Q, E696Q.
Identifiers: ClinVar variation 1040711 (VCV001040711.8), dbSNP rs143010947, ClinGen allele CA337836124.
Genomic context (GRCh38, chr1:1,044,195, plus strand): 5'-TCTGGGGAGGACGGTGACTGTGAGCAGGAGCTGTGCCGGCAGCGCGGTGGCATCTGGGAC[G>C]AGGACTCGGAGGACGGGCCGTGTGTCTGTGACTTCAGCTGCCAGAGTGTCCCAGGCAGCC-3'
Protein context (NP_940978.2, residues 686-706): LCRQRGGIWD[Glu696Gln]DSEDGPCVCD

ClinVar aggregate classification (germline): Uncertain significance (1 of 4 stars; one submission).

Conditions:
Congenital myasthenic syndrome 8. Also called: MYASTHENIC SYNDROME, CONGENITAL, DUE TO AGRIN DEFICIENCY; Myasthenic syndrome, congenital, 8, with pre- and postsynaptic defects. Identifiers: Orphanet 590, MedGen C3808739, MONDO:0014052, OMIM 615120.

Submission:

Labcorp Genetics (formerly Invitae), Labcorp
Classification: Uncertain significance for Congenital myasthenic syndrome 8. Last evaluated: 2020-03-31. Review status: criteria provided, single submitter. Criteria: Invitae Variant Classification Sherloc (09022015). Collection method: clinical testing. Allele origin: germline.
Comment: This sequence change replaces glutamic acid with glutamine at codon 696 of the AGRN protein (p.Glu696Gln). The glutamic acid residue is highly conserved and there is a small physicochemical difference between glutamic acid and glutamine. This variant is not present in population databases (ExAC no frequency). This variant has not been reported in the literature in individuals with AGRN-related conditions. Algorithms developed to predict the effect of missense changes on protein structure and function are either unavailable or do not agree on the potential impact of this missense change (SIFT: "Deleterious"; PolyPhen-2: "Possibly Damaging"; Align-GVGD: "Class C0"). In summary, the available evidence is currently insufficient to determine the role of this variant in disease. Therefore, it has been classified as a Variant of Uncertain Significance.